The following is an entry in ClinVar:

ClinVar aggregate classification (germline): Uncertain significance. Review status: criteria provided, multiple submitters, no conflicts (2 of 4 stars). 2 submissions from 2 submitters: Uncertain significance (2). Last evaluated 2025-08-13.

Conditions:
Inborn genetic diseases. Identifiers: MedGen C0950123, MeSH D030342.

Submissions (2):

Dasa
Classification: Uncertain significance. Last evaluated: 2025-08-13. Review status: criteria provided, single submitter. Criteria: DASA Assertion Criteria. Collection method: clinical testing. Allele origin: germline.
Comment: NM_001042424.3(NSD2):c.2078C>A (p.Ala693Asp) is a missense variant that results in the substitution of alanine with aspartic acid. This variant is absent from population databases. The currently available literature and clinical evidence are not sufficient to establish a definitive association between this variant and the reported condition. Therefore, this variant is classified as a variant of uncertain significance.

Ambry Genetics
Classification: Uncertain significance for Inborn genetic diseases. Last evaluated: 2025-01-09. Review status: criteria provided, single submitter. Criteria: Ambry Variant Classification Scheme 2023. Collection method: clinical testing. Allele origin: germline.

NM_001042424.3(NSD2):c.2078C>A (p.Ala693Asp)

Gene: NSD2 (nuclear receptor binding SET domain protein 2; plus strand). Cytogenetic location: 4p16.3.
Variant type: single nucleotide variant.
Coding change: c.2078C>A on transcript NM_001042424.3 (MANE Select); coding-DNA position 2078, C replaced by A.
Protein change: p.Ala693Asp; replaces alanine 693 with aspartic acid.
Molecular consequence: missense variant.
Genome position (GRCh38, 1-based): chr4:1,952,172, C>A. VCF-style: chr4-1952172-C-A. GRCh37 (hg19) VCF-style: chr4-1953899-C-A.
Other names: c.2078C>A, p.Ala693Asp (NM_133330.3, NM_133331.3, NM_133335.4); short protein forms A693D.
Identifiers: ClinVar variation 3881161 (VCV003881161.3).